The following is an entry in ClinVar:

ClinVar aggregate classification (germline): Uncertain significance. Review status: criteria provided, multiple submitters, no conflicts (2 of 4 stars). 10 submissions from 10 submitters: Uncertain significance (10). Last evaluated 2026-02-03.

Conditions:
MSH3-related disorder. Also called: MSH3-related condition.
Hereditary cancer-predisposing syndrome. Also called: Tumor predisposition; Hereditary neoplastic syndrome; Hereditary Cancer Syndrome; Neoplastic Syndromes, Hereditary. Identifiers: Orphanet 140162, MedGen C0027672, MeSH D009386, MONDO:0015356.
Endometrial carcinoma. Also called: Endometrial carcinoma, somatic. Identifiers: MedGen C0476089, MONDO:0002447, OMIM 608089, HP:0012114.
Familial adenomatous polyposis 4 (FAP4). Also called: MSH3-related attenuated familial adenomatous polyposis. Identifiers: Orphanet 480536, MedGen C4310719, MONDO:0044300, OMIM 617100.

Allele frequency attached by ClinVar (database versions not stated): ExAC 0.00003; gnomAD 0.00003 and 0.00004; gnomAD exomes 0.00003; TOPMed 0.00003; ESP Exome Variant Server 0.00008.
gnomAD v4.1: 48 of 1,610,112 alleles (0.003%); highest among the groups gnomAD compares: Middle Eastern, 0.05%; no homozygotes.

Submissions (10):

Labcorp Genetics (formerly Invitae), Labcorp
Classification: Uncertain significance. Last evaluated: 2026-02-03. Review status: criteria provided, single submitter. Criteria: Invitae Variant Classification Sherloc (09022015). Collection method: clinical testing. Allele origin: germline.
Comment: This sequence change replaces glutamic acid, which is acidic and polar, with glutamine, which is neutral and polar, at codon 853 of the MSH3 protein (p.Glu853Gln). This variant is present in population databases (rs200185323, gnomAD 0.006%). This variant has not been reported in the literature in individuals affected with MSH3-related conditions. ClinVar contains an entry for this variant (Variation ID: 656464). An algorithm developed to predict the effect of missense changes on protein structure and function (PolyPhen-2) suggests that this variant is likely to be disruptive. In summary, the available evidence is currently insufficient to determine the role of this variant in disease. Therefore, it has been classified as a Variant of Uncertain Significance.

Ambry Genetics
Classification: Uncertain significance for Hereditary cancer-predisposing syndrome. Last evaluated: 2025-06-13. Review status: criteria provided, single submitter. Criteria: Ambry Variant Classification Scheme 2023. Collection method: clinical testing. Allele origin: germline.
Comment: The p.E853Q variant (also known as c.2557G>C), located in coding exon 19 of the MSH3 gene, results from a G to C substitution at nucleotide position 2557. The glutamic acid at codon 853 is replaced by glutamine, an amino acid with highly similar properties. This amino acid position is not well conserved in available vertebrate species. In addition, this alteration is predicted to be tolerated by in silico analysis. Since supporting evidence is limited at this time, the clinical significance of this alteration remains unclear.

Mayo Clinic Laboratories, Mayo Clinic
Classification: Uncertain significance. Last evaluated: 2025-05-20. Review status: criteria provided, single submitter. Criteria: ACMG Guidelines, 2015. Collection method: clinical testing. Allele origin: germline. Observed: 2 variant alleles.

Center for Genomic Medicine, Rigshospitalet, Copenhagen University Hospital
Classification: Uncertain significance. Last evaluated: 2025-03-04. Review status: criteria provided, single submitter. Criteria: ACMG Guidelines, 2015. Collection method: clinical testing. Allele origin: germline.

Quest Diagnostics Nichols Institute San Juan Capistrano
Classification: Uncertain significance. Last evaluated: 2024-12-05. Review status: criteria provided, single submitter. Criteria: Quest Diagnostics criteria. Collection method: clinical testing. Allele origin: unknown.
Comment: The MSH3 c.2557G>C (p.Glu853Gln) variant has been reported in the published literature in a cohort of individual with ovarian cancer (PMID: 24448499 (2014)). The frequency of this variant in the general population (Genome Aggregation Database) is uninformative in the assessment of its pathogenicity. Analysis of this variant using bioinformatics tools for the prediction of the effect of amino acid changes on protein structure and function yielded conflicting predictions that this variant is benign or damaging. Based on the available information, we are unable to determine the clinical significance of this variant.

GeneDx
Classification: Uncertain significance. Last evaluated: 2024-12-03. Review status: criteria provided, single submitter. Criteria: GeneDx Variant Classification Process June 2021. Collection method: clinical testing. Allele origin: germline.
Comment: Not observed at significant frequency in large population cohorts (gnomAD); In silico analysis indicates that this missense variant does not alter protein structure/function; Has not been previously published as pathogenic or benign to our knowledge

PreventionGenetics, part of Exact Sciences
Classification: Uncertain significance for MSH3-related condition. Last evaluated: 2024-11-13. Review status: criteria provided, single submitter. Criteria: ACMG Guidelines, 2015. Collection method: clinical testing. Allele origin: germline.
Comment: The MSH3 c.2557G>C variant is predicted to result in the amino acid substitution p.Glu853Gln. To our knowledge, this variant has not been reported in the literature. This variant is reported in 0.0070% of alleles in individuals of European (Non-Finnish) descent in gnomAD and is reported as a variant of uncertain significance in ClinVar. At this time, the clinical significance of this variant is uncertain due to the absence of conclusive functional and genetic evidence.

Fulgent Genetics
Classification: Uncertain significance for Endometrial carcinoma; Familial adenomatous polyposis 4. Last evaluated: 2024-05-01. Review status: criteria provided, single submitter. Criteria: ACMG Guidelines, 2015. Collection method: clinical testing. Allele origin: germline.

Baylor Genetics
Classification: Uncertain significance for Endometrial carcinoma. Last evaluated: 2024-03-13. Review status: criteria provided, single submitter. Criteria: ACMG Guidelines, 2015. Collection method: clinical testing. Allele origin: unknown.

Sema4
Classification: Uncertain significance for Hereditary cancer-predisposing syndrome. Last evaluated: 2021-09-16. Review status: criteria provided, single submitter. Criteria: Sema4 Curation Guidelines. Collection method: curation. Allele origin: germline.
Comment: The MSH3 c.2557G>C (p.E853Q) variant has not been reported in the literature to our knowledge. It was observed in 9/128636 chromosomes of the European (non-Finnish) subpopulation in the large and broad cohorts of the Genome Aggregation Database (PMID: 32461654), and has been reported in ClinVar (Variation ID 656464). Functional studies have not been performed, and in silico predictions of the variant's effect on protein function are inconclusive. The evidence is insufficient to meet ACMG/AMP criteria for classifying the variant as benign or pathogenic. Thus, the clinical significance of this variant is currently uncertain.

Literature cited by the submitters: PubMed 24448499 (cited by Quest Diagnostics Nichols Institute San Juan Capistrano).

NM_002439.5(MSH3):c.2557G>C (p.Glu853Gln)

Gene: MSH3 (mutS homolog 3; plus strand). Cytogenetic location: 5q14.1.
Variant type: single nucleotide variant.
Coding change: c.2557G>C on transcript NM_002439.5 (MANE Select); coding-DNA position 2557, G replaced by C.
Protein change: p.Glu853Gln; replaces glutamic acid 853 with glutamine.
Molecular consequence: missense variant.
Genome position (GRCh38, 1-based): chr5:80,792,746, G>C. VCF-style: chr5-80792746-G-C. GRCh37 (hg19) VCF-style: chr5-80088565-G-C.
Other names: p.Glu853Gln; short protein forms E853Q.
Identifiers: ClinVar variation 656464 (VCV000656464.34), dbSNP rs200185323, ClinGen allele CA3328295.
Genomic context (GRCh38, chr5:80,792,746, plus strand): 5'-AGGCTATTTCCATGCCTAGTAAATTGAAACATATTTCTTTTTTGCAGACCAACTGTACAA[G>C]AAGAAAGAAAAATTGTAATAAAAAATGGAAGGCACCCTGTGATTGATGTGTTGCTGGGAG-3'
Protein context (NP_002430.3, residues 843-863): QGDYCRPTVQ[Glu853Gln]ERKIVIKNGR